The following is an entry in ClinVar:

ClinVar aggregate classification (germline): Uncertain significance. Review status: criteria provided, multiple submitters, no conflicts (2 of 4 stars). 2 submissions from 2 submitters: Uncertain significance (2). Last evaluated 2022-08-12.

Conditions:
Inborn genetic diseases. Identifiers: MedGen C0950123, MeSH D030342.
Mucopolysaccharidosis, MPS-III-D (MPS3D). Also called: Mucopoly-saccharidosis type 3D; N-acetylglucosamine-6-sulfate sulfatase deficiency; MPS 3D; MPS IIID (Sanfilippo Syndrome Type D); MUCOPOLYSACCHARIDOSIS, TYPE IIID; N-ACETYLGLUCOSAMINE-6-SULFATASE DEFICIENCY. Identifiers: Orphanet 581, Orphanet 79272, MedGen C0086650, MONDO:0009658, OMIM 252940.

Allele frequency attached by ClinVar (database versions not stated): gnomAD 0.00002; ExAC 0.00002; ESP Exome Variant Server 0.00008; gnomAD exomes 0.00001; TOPMed 0.00003.
gnomAD v4.1: 21 of 1,570,692 alleles (0.0013%); highest among the groups gnomAD compares: African/African-American, 0.0027%; no homozygotes.

Submissions (2):

Labcorp Genetics (formerly Invitae), Labcorp
Classification: Uncertain significance for Mucopolysaccharidosis, MPS-III-D. Last evaluated: 2022-08-12. Review status: criteria provided, single submitter. Criteria: Invitae Variant Classification Sherloc (09022015). Collection method: clinical testing. Allele origin: germline.
Comment: This sequence change replaces arginine, which is basic and polar, with glutamine, which is neutral and polar, at codon 193 of the GNS protein (p.Arg193Gln). This variant is present in population databases (rs368261202, gnomAD 0.003%). This variant has not been reported in the literature in individuals affected with GNS-related conditions. ClinVar contains an entry for this variant (Variation ID: 1375187). Algorithms developed to predict the effect of missense changes on protein structure and function (SIFT, PolyPhen-2, Align-GVGD) all suggest that this variant is likely to be tolerated. In summary, the available evidence is currently insufficient to determine the role of this variant in disease. Therefore, it has been classified as a Variant of Uncertain Significance.

Ambry Genetics
Classification: Uncertain significance for Inborn genetic diseases. Last evaluated: 2021-06-29. Review status: criteria provided, single submitter. Criteria: Ambry Variant Classification Scheme 2023. Collection method: clinical testing. Allele origin: germline.

NM_002076.4(GNS):c.578G>A (p.Arg193Gln)

Gene: GNS (glucosamine (N-acetyl)-6-sulfatase; minus strand). Cytogenetic location: 12q14.3.
Variant type: single nucleotide variant.
Coding change: c.578G>A on transcript NM_002076.4 (MANE Select); coding-DNA position 578, G replaced by A.
Protein change: p.Arg193Gln; replaces arginine 193 with glutamine.
Molecular consequence: missense variant.
Genome position (GRCh38, 1-based): chr12:64,744,855, C>T on the plus strand (G>A on the coding strand, the complement: GNS is on the minus strand). VCF-style: chr12-64744855-C-T. GRCh37 (hg19) VCF-style: chr12-65138635-C-T.
Other names: c.578G>A (NM_002076.3); short protein forms R193Q.
Identifiers: ClinVar variation 1375187 (VCV001375187.6), dbSNP rs368261202, ClinGen allele CA6669897.